The following is an entry in ClinVar:

ClinVar aggregate classification (germline): Uncertain significance. Review status: criteria provided, multiple submitters, no conflicts (2 of 4 stars). 2 submissions from 2 submitters: Uncertain significance (2). Last evaluated 2023-10-05.

Conditions:
Hereditary cancer-predisposing syndrome. Also called: Hereditary neoplastic syndrome; Hereditary Cancer Syndrome; Neoplastic Syndromes, Hereditary; Tumor predisposition. Identifiers: Orphanet 140162, MedGen C0027672, MeSH D009386, MONDO:0015356.
Rhabdoid tumor predisposition syndrome 2 (RTPS2). Identifiers: Orphanet 231108, Orphanet 69077, MedGen C2750074, MONDO:0013224, OMIM 613325.

Submissions (2):

Labcorp Genetics (formerly Invitae), Labcorp
Classification: Uncertain significance for Rhabdoid tumor predisposition syndrome 2. Last evaluated: 2023-10-05. Review status: criteria provided, single submitter. Criteria: Invitae Variant Classification Sherloc (09022015). Collection method: clinical testing. Allele origin: germline.
Comment: This sequence change replaces proline, which is neutral and non-polar, with alanine, which is neutral and non-polar, at codon 112 of the SMARCA4 protein (p.Pro112Ala). This variant is not present in population databases (gnomAD no frequency). This variant has not been reported in the literature in individuals affected with SMARCA4-related conditions. ClinVar contains an entry for this variant (Variation ID: 2567133). Advanced modeling of protein sequence and biophysical properties (such as structural, functional, and spatial information, amino acid conservation, physicochemical variation, residue mobility, and thermodynamic stability) has been performed at Invitae for this missense variant, however the output from this modeling did not meet the statistical confidence thresholds required to predict the impact of this variant on SMARCA4 protein function. In summary, the available evidence is currently insufficient to determine the role of this variant in disease. Therefore, it has been classified as a Variant of Uncertain Significance.

Ambry Genetics
Classification: Uncertain significance for Hereditary cancer-predisposing syndrome. Last evaluated: 2023-03-31. Review status: criteria provided, single submitter. Criteria: Ambry Variant Classification Scheme 2023. Collection method: clinical testing. Allele origin: germline.
Comment: The p.P112A variant (also known as c.334C>G), located in coding exon 2 of the SMARCA4 gene, results from a C to G substitution at nucleotide position 334. The proline at codon 112 is replaced by alanine, an amino acid with highly similar properties. This amino acid position is highly conserved in available vertebrate species. In addition, the in silico prediction for this alteration is inconclusive. Missense and in-frame variants in SMARCA4 are known to cause neurodevelopmental disorders; however, such associations with rhabdoid tumor predisposition syndrome including small cell carcinoma of the ovary-hypercalcemic type (SCCOHT) are exceedingly rare (Kosho T et al. Am J Med Genet C Semin Med Genet. 2014 Sep;166C(3):262-75; Jelinic P et al. Nat Genet. 2014 May;46(5):424-6). Based on the supporting evidence, the association of this alteration with Coffin-Siris syndrome is unknown; however, the association of this alteration with rhabdoid tumor predisposition syndrome is unlikely.

NM_003072.5(SMARCA4):c.334C>G (p.Pro112Ala)

Gene: SMARCA4 (SWI/SNF related BAF chromatin remodeling complex subunit ATPase 4; plus strand). Cytogenetic location: 19p13.2.
Variant type: single nucleotide variant.
Coding change: c.334C>G on transcript NM_003072.5 (MANE Select); coding-DNA position 334, C replaced by G.
Protein change: p.Pro112Ala; replaces proline 112 with alanine.
Molecular consequence: missense variant. On other transcripts: non-coding transcript variant (1).
Genome position (GRCh38, 1-based): chr19:10,985,384, C>G. VCF-style: chr19-10985384-C-G. GRCh37 (hg19) VCF-style: chr19-11096060-C-G.
Other names: c.334C>G, p.Pro112Ala (NM_001128844.3, NM_001128845.2, NM_001128846.2 and 6 more transcripts); short protein forms P112A.
Identifiers: ClinVar variation 2567133 (VCV002567133.5), dbSNP rs2085935793, ClinGen allele CA404055326.
Genomic context (GRCh38, chr19:10,985,384, plus strand): 5'-CAGATGAAAGGAATGGGGATGCGGTCAGGGGGCCATGCTGGGATGGGGCCCCCGCCCAGC[C>G]CCATGGACCAGCACTCCCAAGGTACAGAACTGCGTTCCTTCCTGCCTTGTGTTTGTCATA-3'
Protein context (NP_003063.2, residues 102-122): GHAGMGPPPS[Pro112Ala]MDQHSQGYPS